The following is an entry in ClinVar:

ClinVar aggregate classification (germline): Likely benign. Review status: criteria provided, multiple submitters, no conflicts (2 of 4 stars). 2 submissions from 2 submitters: Likely benign (2). Last evaluated 2025-12-21.

Conditions:
Dilated cardiomyopathy 1W (CMD1W). Identifiers: Orphanet 154, MedGen C1969639, MONDO:0012667, OMIM 611407.

Allele frequency attached by ClinVar (database versions not stated): gnomAD exomes 0.00001 and 0.00002; TOPMed 0.00001; ExAC 0.00002.
gnomAD v4.1: 5 of 1,613,978 alleles (0.00031%); highest among the groups gnomAD compares: East Asian, 0.011%; no homozygotes.

Submissions (2):

Labcorp Genetics (formerly Invitae), Labcorp
Classification: Likely benign for Dilated cardiomyopathy 1W. Last evaluated: 2025-12-21. Review status: criteria provided, single submitter. Criteria: Invitae Variant Classification Sherloc (09022015). Collection method: clinical testing. Allele origin: germline.

Laboratory for Molecular Medicine, Mass General Brigham Personalized Medicine
Classification: Likely benign. Last evaluated: 2015-12-10. Review status: criteria provided, single submitter. Criteria: LMM Criteria. Collection method: clinical testing. Allele origin: germline. Observed: 1 variant allele.
Comment: c.390+11T>G in intron 3 of VCL: This variant is not expected to have clinical si gnificance because it is not located within the splice consensus sequence. It h as been identified in 2/8382 East Asian chromosomes by the Exome Aggregation Con sortium (ExAC; dbSNP rs764668318).

NM_014000.3(VCL):c.390+11T>G

Gene: VCL (vinculin; plus strand). Cytogenetic location: 10q22.2.
Variant type: single nucleotide variant.
Coding change: c.390+11T>G on transcript NM_014000.3 (MANE Select); 11 bases into the intron after coding-DNA position 390, T replaced by G.
Molecular consequence: intron variant.
Genome position (GRCh38, 1-based): chr10:74,070,831, T>G. VCF-style: chr10-74070831-T-G. GRCh37 (hg19) VCF-style: chr10-75830589-T-G.
Other names: c.390+11T>G (NM_003373.4).
Identifiers: ClinVar variation 228230 (VCV000228230.8), dbSNP rs764668318, ClinGen allele CA5562749.